The following is an entry in ClinVar:

NM_001395400.1(TMEM200C):c.435C>T (p.Ser145=)

Genes: MIR3976HG (MIR3976 host gene; plus strand), TMEM200C (transmembrane protein 200C; minus strand). Cytogenetic location: 18p11.31.
Variant type: single nucleotide variant.
Coding change: c.435C>T on transcript NM_001395400.1 (MANE Select); coding-DNA position 435, C replaced by T.
Protein change: p.Ser145=; no amino-acid change (serine 145 retained).
Molecular consequence: synonymous variant.
Genome position (GRCh38, 1-based): chr18:5,891,629, G>A on the plus strand (C>T on the coding strand, the complement: TMEM200C is on the minus strand). VCF-style: chr18-5891629-G-A. GRCh37 (hg19) VCF-style: chr18-5891628-G-A.
Other names: c.435C>T, p.Ser145= (NM_001080209.3).
Identifiers: ClinVar variation 2648539 (VCV002648539.24), dbSNP rs2095171220, ClinGen allele CA502557710.

ClinVar aggregate classification (germline): Likely benign (1 of 4 stars; one submission).

Allele frequency attached by ClinVar (database versions not stated): TOPMed below 0.00001.
gnomAD v4.1: 2 of 1,613,894 alleles (0.00012%); highest among the groups gnomAD compares: East Asian, 0.0022%; no homozygotes.

Submission:

CeGaT Center for Human Genetics Tuebingen
Classification: Likely benign. Last evaluated: 2023-05-01. Review status: criteria provided, single submitter. Criteria: CeGaT Center For Human Genetics Tuebingen Variant Classification Criteria Version 2. Collection method: clinical testing. Allele origin: germline. Affected: yes. Observed: 1 variant allele.
Comment: TMEM200C: PM2:Supporting, BP4, BP7